The following is an entry in ClinVar:

ClinVar aggregate classification (germline): Uncertain significance (1 of 4 stars; one submission).

Submission:

GeneDx
Classification: Uncertain significance. Last evaluated: 2024-05-07. Review status: criteria provided, single submitter. Criteria: GeneDx Variant Classification Process June 2021. Collection method: clinical testing. Allele origin: germline. Affected: yes.
Comment: Not observed at significant frequency in large population cohorts (gnomAD); Has not been previously published as pathogenic or benign to our knowledge; In-silico analysis is inconclusive as to whether the variant impacts protein structure/function. In the absence of functional studies, the actual effect of this sequence change is unknown

NM_001372044.2(SHANK3):c.2879G>T (p.Arg960Leu)

Gene: SHANK3 (SH3 and multiple ankyrin repeat domains 3; plus strand). Cytogenetic location: 22q13.33.
Variant type: single nucleotide variant.
Coding change: c.2879G>T on transcript NM_001372044.2 (MANE Select); coding-DNA position 2879, G replaced by T.
Protein change: p.Arg960Leu; replaces arginine 960 with leucine.
Molecular consequence: missense variant.
Genome position (GRCh38, 1-based): chr22:50,720,487, G>T. VCF-style: chr22-50720487-G-T. GRCh37 (hg19) VCF-style: chr22-51158915-G-T.
Other names: c.2654G>T (NM_033517.1); short protein forms R960L.
Identifiers: ClinVar variation 3375991 (VCV003375991.1).